The following is an entry in ClinVar:

NM_001367624.2(ZNF469):c.959C>T (p.Thr320Met)

Gene: ZNF469 (zinc finger protein 469; plus strand). Cytogenetic location: 16q24.2.
Variant type: single nucleotide variant.
Coding change: c.959C>T on transcript NM_001367624.2 (MANE Select); coding-DNA position 959, C replaced by T.
Protein change: p.Thr320Met; replaces threonine 320 with methionine.
Molecular consequence: missense variant.
Genome position (GRCh38, 1-based): chr16:88,428,429, C>T. VCF-style: chr16-88428429-C-T. GRCh37 (hg19) VCF-style: chr16-88494837-C-T.
Other names: NM_001127464.1:c.959C>T; short protein forms T320M.
Identifiers: ClinVar variation 1191196 (VCV001191196.8), dbSNP rs765028361, ClinGen allele CA8224646.
Genomic context (GRCh38, chr16:88,428,429, plus strand): 5'-GGCCACTGGTGTTTGCCTTCCATCAGCCCCAGGGAGCGTGGCCGGAGGAGGCCGTGGGCA[C>T]GGGCCCTGCCTACCCGCTGCCCACCCAGCCTGCGCCCTCACCCCTGCCCTGCTACCAGGG-3'
Protein context (NP_001354553.1, residues 310-330): QGAWPEEAVG[Thr320Met]GPAYPLPTQP

ClinVar aggregate classification (germline): Conflicting classifications of pathogenicity. Review status: criteria provided, conflicting classifications (1 of 4 stars). 4 submissions from 4 submitters: Uncertain significance (3); Likely benign (1). Last evaluated 2026-04-07.

Conditions:
Cardiovascular phenotype. Identifiers: MedGen CN230736.

Allele frequency attached by ClinVar (database versions not stated): TOPMed 0.00006; gnomAD 0.00007 and 0.00008; gnomAD exomes 0.00007 and 0.00012.
gnomAD v4.1: 105 of 1,547,944 alleles (0.0068%); highest among the groups gnomAD compares: African/African-American, 0.011%; 1 homozygote.

Submissions (4):

Women's Health and Genetics/Laboratory Corporation of America, LabCorp
Classification: Uncertain significance. Last evaluated: 2026-04-07. Review status: criteria provided, single submitter. Criteria: LabCorp Variant Classification Summary - May 2015. Collection method: clinical testing. Allele origin: germline.
Comment: Variant summary: ZNF469 c.959C>T (p.Thr320Met) results in a non-conservative amino acid change in the encoded protein sequence. Algorithms developed to predict the effect of missense changes on protein structure and function are either unavailable or do not agree on the potential impact of this missense change. The variant allele was found at a frequency of 0.00012 in 147452 control chromosomes in the gnomAD database, including 1 homozygotes. This frequency is not significantly higher than estimated for disease-causing variants in ZNF469, allowing no conclusion about variant significance. To our knowledge, no occurrence of c.959C>T in individuals affected with ZNF469-related conditions and no experimental evidence demonstrating its impact on protein function have been reported. ClinVar contains an entry for this variant (Variation ID: 1191196). Based on the evidence outlined above, the variant was classified as uncertain significance.

Labcorp Genetics (formerly Invitae), Labcorp
Classification: Uncertain significance. Last evaluated: 2022-07-30. Review status: criteria provided, single submitter. Criteria: Invitae Variant Classification Sherloc (09022015). Collection method: clinical testing. Allele origin: germline.
Comment: This sequence change replaces threonine, which is neutral and polar, with methionine, which is neutral and non-polar, at codon 320 of the ZNF469 protein (p.Thr320Met). This variant is present in population databases (rs765028361, gnomAD 0.1%), including at least one homozygous and/or hemizygous individual. This variant has not been reported in the literature in individuals affected with ZNF469-related conditions. ClinVar contains an entry for this variant (Variation ID: 1191196). Algorithms developed to predict the effect of missense changes on protein structure and function are either unavailable or do not agree on the potential impact of this missense change (SIFT: "Deleterious"; PolyPhen-2: "Benign"; Align-GVGD: "Class C0"). In summary, the available evidence is currently insufficient to determine the role of this variant in disease. Therefore, it has been classified as a Variant of Uncertain Significance.

Ambry Genetics
Classification: Uncertain significance for Cardiovascular phenotype. Last evaluated: 2020-04-22. Review status: criteria provided, single submitter. Criteria: Ambry Variant Classification Scheme 2023. Collection method: clinical testing. Allele origin: germline.
Comment: The p.T320M variant (also known as c.959C>T), located in coding exon 1 of the ZNF469 gene, results from a C to T substitution at nucleotide position 959. The threonine at codon 320 is replaced by methionine, an amino acid with similar properties. This amino acid position is poorly conserved in available vertebrate species. In addition, this alteration is predicted to be tolerated by in silico analysis. Since supporting evidence is limited at this time, the clinical significance of this alteration remains unclear.

GeneDx
Classification: Likely benign. Last evaluated: 2019-08-14. Review status: criteria provided, single submitter. Criteria: GeneDx Variant Classification Process June 2021. Collection method: clinical testing. Allele origin: germline. Affected: yes.